The following is an entry in ClinVar:

ClinVar aggregate classification (germline): Pathogenic/Likely pathogenic. Review status: criteria provided, multiple submitters, no conflicts (2 of 4 stars). 3 submissions from 3 submitters: Pathogenic (1); Likely pathogenic (1). 1 of the submissions does not count toward it. Last evaluated 2023-05-15.

Conditions:
Melnick-Fraser syndrome (BOR). Also called: Branchio-oto-renal syndrome; Branchiootorenal Syndrome (BORS); Branchiootorenal syndrome. Identifiers: Orphanet 107, MedGen C0265234, MONDO:0007029.
EYA1-related disorder. Also called: EYA1-related condition.
Hereditary ataxia. Also called: Hereditary Ataxias. Identifiers: Orphanet 183518, MedGen C0004138, MONDO:0100309, MONDO:0000557.

Submissions (3):

Labcorp Genetics (formerly Invitae), Labcorp
Classification: Pathogenic for Melnick-Fraser syndrome. Last evaluated: 2023-05-15. Review status: criteria provided, single submitter. Criteria: Invitae Variant Classification Sherloc (09022015). Collection method: clinical testing. Allele origin: germline.
Comment: This sequence change falls in intron 14 of the EYA1 gene. It does not directly change the encoded amino acid sequence of the EYA1 protein. It affects a nucleotide within the consensus splice site. This variant is not present in population databases (gnomAD no frequency). This variant has been observed in individual(s) with clinical features of EYA1-related conditions (PMID: 19206155, 30268946). In at least one individual the variant was observed to be de novo. This variant is also known as c.1261+5G>A. Variants that disrupt the consensus splice site are a relatively common cause of aberrant splicing (PMID: 17576681, 9536098). Algorithms developed to predict the effect of sequence changes on RNA splicing suggest that this variant may disrupt the consensus splice site. For these reasons, this variant has been classified as Pathogenic.

Cambridge Genomics Laboratory, East Genomic Laboratory Hub, NHS Genomic Medicine Service
Classification: Likely pathogenic for Hereditary ataxia. Last evaluated: 2019-10-17. Review status: criteria provided, single submitter. Criteria: ACGS Best Practice Guidelines for Variant Classification in Rare Disease 2020. Collection method: clinical testing. Allele origin: germline. Affected: yes. Observed: 1 variant allele.

PreventionGenetics, part of Exact Sciences
Classification: Pathogenic for EYA1-related condition. Last evaluated: 2024-02-26. Review status: no assertion criteria provided. Collection method: clinical testing. Allele origin: germline. Not counted in ClinVar's aggregate classification.
Comment: The EYA1 c.1360+5G>A variant is predicted to interfere with splicing. This variant has been reported to occur de novo in an individual with branchiootorenal (BOR) syndrome (reported as NM_172060.3:c.1261+5G>A in Stockley et al. 2009. PubMed ID: 19206155). This variant has not been reported in a large population database, indicating this variant is rare. This variant is interpreted as pathogenic.

Literature cited by the submitters: PubMed 19206155 (cited by Labcorp Genetics (formerly Invitae), Labcorp); PubMed 30268946 (cited by Labcorp Genetics (formerly Invitae), Labcorp); PubMed 17576681 (cited by Labcorp Genetics (formerly Invitae), Labcorp); PubMed 9536098 (cited by Labcorp Genetics (formerly Invitae), Labcorp).

NM_000503.6(EYA1):c.1360+5G>A

Gene: EYA1 (EYA transcriptional coactivator and phosphatase 1; minus strand). Cytogenetic location: 8q13.3.
Variant type: single nucleotide variant.
Coding change: c.1360+5G>A on transcript NM_000503.6 (MANE Select); 5 bases into the intron after coding-DNA position 1360, G replaced by A.
Molecular consequence: intron variant.
Genome position (GRCh38, 1-based): chr8:71,216,687, C>T on the plus strand (G>A on the coding strand, the complement: EYA1 is on the minus strand). VCF-style: chr8-71216687-C-T. GRCh37 (hg19) VCF-style: chr8-72128922-C-T.
Other names: c.1360+5G>A (NM_172058.3, NM_001370335.1, NM_001370334.1 and 1 more transcripts); c.1339+5G>A (NM_001370336.1); c.1447+5G>A (NM_001370333.1); c.1342+5G>A (NM_172059.5, NM_001288574.2); c.1261+5G>A (NM_001411797.1, NM_172060.4); c.994+5G>A (NM_001288575.2).
Identifiers: ClinVar variation 2735182 (VCV002735182.6), dbSNP rs2537297433, ClinGen allele CA658820870.